The following is an entry in ClinVar:

NM_001367624.2(ZNF469):c.9906G>A (p.Pro3302=)

Gene: ZNF469 (zinc finger protein 469; plus strand). Cytogenetic location: 16q24.2.
Variant type: single nucleotide variant.
Coding change: c.9906G>A on transcript NM_001367624.2 (MANE Select); coding-DNA position 9906, G replaced by A.
Protein change: p.Pro3302=; no amino-acid change (proline 3302 retained).
Molecular consequence: synonymous variant.
Genome position (GRCh38, 1-based): chr16:88,437,376, G>A. VCF-style: chr16-88437376-G-A. GRCh37 (hg19) VCF-style: chr16-88503784-G-A.
Other names: NM_001127464.2:c.9822G>A.
Identifiers: ClinVar variation 2881635 (VCV002881635.6), dbSNP rs1363407946, ClinGen allele CA497358516.

ClinVar aggregate classification (germline): Likely benign. Review status: criteria provided, multiple submitters, no conflicts (2 of 4 stars). 3 submissions from 3 submitters: Likely benign (2). 1 of the submissions does not count toward it. Last evaluated 2025-11-19.

Conditions:
ZNF469-related disorder. Also called: ZNF469-related condition.

Allele frequency attached by ClinVar (database versions not stated): TOPMed below 0.00001; gnomAD 0.00001; gnomAD exomes 0.00001.
gnomAD v4.1: 11 of 1,538,662 alleles (0.00071%); highest among the groups gnomAD compares: Middle Eastern, 0.021%; no homozygotes.

Submissions (3):

Women's Health and Genetics/Laboratory Corporation of America, LabCorp
Classification: Likely benign. Last evaluated: 2025-11-19. Review status: criteria provided, single submitter. Criteria: LabCorp Variant Classification Summary - May 2015. Collection method: clinical testing. Allele origin: germline.

Labcorp Genetics (formerly Invitae), Labcorp
Classification: Likely benign. Last evaluated: 2023-07-26. Review status: criteria provided, single submitter. Criteria: Invitae Variant Classification Sherloc (09022015). Collection method: clinical testing. Allele origin: germline.

PreventionGenetics, part of Exact Sciences
Classification: Likely benign for ZNF469-related condition. Last evaluated: 2022-09-20. Review status: no assertion criteria provided. Collection method: clinical testing. Allele origin: germline. Not counted in ClinVar's aggregate classification.
Comment: This variant is classified as likely benign based on ACMG/AMP sequence variant interpretation guidelines (Richards et al. 2015 PMID: 25741868, with internal and published modifications).